The following is an entry in ClinVar:

NM_021098.3(CACNA1H):c.4208C>T (p.Thr1403Ile)

Gene: CACNA1H (calcium voltage-gated channel subunit alpha1 H; plus strand). Cytogenetic location: 16p13.3.
Variant type: single nucleotide variant.
Coding change: c.4208C>T on transcript NM_021098.3 (MANE Select); coding-DNA position 4208, C replaced by T.
Protein change: p.Thr1403Ile; replaces threonine 1403 with isoleucine.
Molecular consequence: missense variant.
Genome position (GRCh38, 1-based): chr16:1,210,956, C>T. VCF-style: chr16-1210956-C-T. GRCh37 (hg19) VCF-style: chr16-1260956-C-T.
Other names: c.4208C>T, p.Thr1403Ile (NM_001005407.2); short protein forms T1403I.
Identifiers: ClinVar variation 4976191 (VCV004976191.1).

ClinVar aggregate classification (germline): Uncertain significance (1 of 4 stars; one submission).

Submission:

GeneDx
Classification: Uncertain significance. Last evaluated: 2026-02-06. Review status: criteria provided, single submitter. Criteria: GeneDx Variant Classification Process June 2021. Collection method: clinical testing. Allele origin: germline.
Comment: Not observed at significant frequency in large population cohorts (gnomAD); In silico analysis supports that this missense variant has a deleterious effect on protein structure/function; Has not been previously published as pathogenic or benign to our knowledge